The following is an entry in ClinVar:

NM_004563.4(PCK2):c.1168G>C (p.Gly390Arg)

Genes: NRL (neural retina leucine zipper; minus strand), PCK2 (phosphoenolpyruvate carboxykinase 2, mitochondrial; plus strand). Cytogenetic location: 14q12.
Variant type: single nucleotide variant.
Coding change: c.1168G>C on transcript NM_004563.4 (MANE Select); coding-DNA position 1168, G replaced by C.
Protein change: p.Gly390Arg; replaces glycine 390 with arginine.
Molecular consequence: missense variant. On other transcripts: intron variant (3).
Genome position (GRCh38, 1-based): chr14:24,100,147, G>C. VCF-style: chr14-24100147-G-C. GRCh37 (hg19) VCF-style: chr14-24569356-G-C.
Other names: c.1168G>C, p.Gly390Arg (NM_001018073.3); c.766G>C, p.Gly256Arg (NM_001291556.2, NM_001308054.2); c.-28+14575C>G (NM_001354768.3, NM_001354770.2); c.-254+14575C>G (NM_006177.5); short protein forms G256R, G390R.
Identifiers: ClinVar variation 1418718 (VCV001418718.6), dbSNP rs377452848, ClinGen allele CA257847024.
Genomic context (GRCh38, chr14:24,100,147, plus strand): 5'-CAGAGTAACACTATTTTTACCAATGTGGCTGAGACCAGTGATGGTGGCGTGTACTGGGAG[G>C]GCATTGACCAGCCTCTTCCACCTGGTGTTACTGTGACCTCCTGGCTGGGCAAACCCTGGA-3'
Protein context (NP_004554.3, residues 380-400): ETSDGGVYWE[Gly390Arg]IDQPLPPGVT

ClinVar aggregate classification (germline): Uncertain significance (1 of 4 stars; one submission).

Allele frequency attached by ClinVar (database versions not stated): ESP Exome Variant Server 0.00008.
gnomAD v4.1: 17 of 1,613,878 alleles (0.0011%); highest among the groups gnomAD compares: African/African-American, 0.017%; no homozygotes.

Submission:

Labcorp Genetics (formerly Invitae), Labcorp
Classification: Uncertain significance. Last evaluated: 2023-11-01. Review status: criteria provided, single submitter. Criteria: Invitae Variant Classification Sherloc (09022015). Collection method: clinical testing. Allele origin: germline.
Comment: This sequence change replaces glycine, which is neutral and non-polar, with arginine, which is basic and polar, at codon 390 of the PCK2 protein (p.Gly390Arg). This variant is present in population databases (rs377452848, gnomAD 0.02%). This variant has not been reported in the literature in individuals affected with PCK2-related conditions. ClinVar contains an entry for this variant (Variation ID: 1418718). Advanced modeling of protein sequence and biophysical properties (such as structural, functional, and spatial information, amino acid conservation, physicochemical variation, residue mobility, and thermodynamic stability) has been performed at Invitae for this missense variant, however the output from this modeling did not meet the statistical confidence thresholds required to predict the impact of this variant on PCK2 protein function. In summary, the available evidence is currently insufficient to determine the role of this variant in disease. Therefore, it has been classified as a Variant of Uncertain Significance.